The following is an entry in ClinVar:

ClinVar aggregate classification (germline): Benign/Likely benign. Review status: criteria provided, multiple submitters, no conflicts (2 of 4 stars). 5 submissions from 5 submitters: Benign (1); Likely benign (3). 1 of the submissions does not count toward it. Last evaluated 2025-10-13.

Conditions:
Frontotemporal dementia and/or amyotrophic lateral sclerosis 4. Also called: FTDALS4. Identifiers: Orphanet 275872, MedGen C4225325, MONDO:0014641, OMIM 616439.
TBK1-related disorder. Also called: TBK1-related condition.

Allele frequency attached by ClinVar (database versions not stated): gnomAD exomes 0.00014 and 0.00031; TOPMed 0.00015; gnomAD 0.00017 and 0.00018; ExAC 0.00030.
gnomAD v4.1: 241 of 1,610,276 alleles (0.015%); highest among the groups gnomAD compares: Non-Finnish European, 0.0028%; no homozygotes.

Submissions (5):

Labcorp Genetics (formerly Invitae), Labcorp
Classification: Benign for Frontotemporal dementia and/or amyotrophic lateral sclerosis 4. Last evaluated: 2025-10-13. Review status: criteria provided, single submitter. Criteria: Invitae Variant Classification Sherloc (09022015). Collection method: clinical testing. Allele origin: germline.

Blueprint Genetics
Classification: Likely benign. Last evaluated: 2024-11-27. Review status: criteria provided, single submitter. Criteria: ACMG Guidelines, 2015. Collection method: clinical testing. Allele origin: germline.

GeneDx
Classification: Likely benign. Last evaluated: 2018-12-03. Review status: criteria provided, single submitter. Criteria: GeneDx Variant Classification Process June 2021. Collection method: clinical testing. Allele origin: germline. Affected: yes.
Comment: This variant is associated with the following publications: (PMID: 25943890, 27892983, 21447600, 27113253, 27211305)

Breakthrough Genomics
Classification: Likely benign. Review status: criteria provided, single submitter. Criteria: ACMG Guidelines, 2015. Collection method: not provided. Allele origin: germline. Inheritance: Autosomal dominant inheritance. Affected: yes.

PreventionGenetics, part of Exact Sciences
Classification: Likely benign for TBK1-related condition. Last evaluated: 2021-08-16. Review status: no assertion criteria provided. Collection method: clinical testing. Allele origin: germline. Not counted in ClinVar's aggregate classification.
Comment: This variant is classified as likely benign based on ACMG/AMP sequence variant interpretation guidelines (Richards et al. 2015 PMID: 25741868, with internal and published modifications).

NM_013254.4(TBK1):c.916C>A (p.Leu306Ile)

Gene: TBK1 (TANK binding kinase 1; plus strand). Cytogenetic location: 12q14.2.
Variant type: single nucleotide variant.
Coding change: c.916C>A on transcript NM_013254.4 (MANE Select); coding-DNA position 916, C replaced by A.
Protein change: p.Leu306Ile; replaces leucine 306 with isoleucine.
Molecular consequence: missense variant.
Genome position (GRCh38, 1-based): chr12:64,481,945, C>A. VCF-style: chr12-64481945-C-A. GRCh37 (hg19) VCF-style: chr12-64875725-C-A.
Other names: short protein forms L306I.
Identifiers: ClinVar variation 706316 (VCV000706316.17), dbSNP rs201970436, ClinGen allele CA6668923.